The following is an entry in ClinVar:

NM_173546.3(KLHDC8B):c.82C>A (p.His28Asn)

Gene: KLHDC8B (kelch domain containing 8B; plus strand). Cytogenetic location: 3p21.31.
Variant type: single nucleotide variant.
Coding change: c.82C>A on transcript NM_173546.3 (MANE Select); coding-DNA position 82, C replaced by A.
Protein change: p.His28Asn; replaces histidine 28 with asparagine.
Molecular consequence: missense variant.
Genome position (GRCh38, 1-based): chr3:49,172,851, C>A. VCF-style: chr3-49172851-C-A. GRCh37 (hg19) VCF-style: chr3-49210284-C-A.
Other names: short protein forms H28N.
Identifiers: ClinVar variation 3608635 (VCV003608635.2).

ClinVar aggregate classification (germline): Uncertain significance (1 of 4 stars; one submission).

Submission:

Labcorp Genetics (formerly Invitae), Labcorp
Classification: Uncertain significance. Last evaluated: 2025-08-17. Review status: criteria provided, single submitter. Criteria: Invitae Variant Classification Sherloc (09022015). Collection method: clinical testing. Allele origin: germline.
Comment: This sequence change replaces histidine, which is basic and polar, with asparagine, which is neutral and polar, at codon 28 of the KLHDC8B protein (p.His28Asn). This variant is present in population databases (rs781302926, gnomAD 0.0009%). This variant has not been reported in the literature in individuals affected with KLHDC8B-related conditions. ClinVar contains an entry for this variant (Variation ID: 3608635). An algorithm developed to predict the effect of missense changes on protein structure and function (PolyPhen-2) suggests that this variant is likely to be tolerated. In summary, the available evidence is currently insufficient to determine the role of this variant in disease. Therefore, it has been classified as a Variant of Uncertain Significance.